The following is an entry in ClinVar:

ClinVar aggregate classification (germline): Uncertain significance. Review status: criteria provided, multiple submitters, no conflicts (2 of 4 stars). 2 submissions from 2 submitters: Uncertain significance (2). Last evaluated 2025-07-24.

Conditions:
Classic or attenuated familial adenomatous polyposis. Identifiers: MedGen CN372698, MONDO:0021057.
Familial adenomatous polyposis 1 (FAP1). Also called: FAMILIAL ADENOMATOUS POLYPOSIS 1, ATTENUATED; POLYPOSIS, ADENOMATOUS INTESTINAL. Identifiers: MedGen C2713442, MONDO:0021056, OMIM 175100. Disease mechanism: loss of function.

Allele frequency attached by ClinVar (database versions not stated): gnomAD exomes below 0.00001.
gnomAD v4.1: 3 of 1,613,418 alleles (0.00019%); highest among the groups gnomAD compares: Non-Finnish European, 0.00025%; no homozygotes.

Submissions (2):

Labcorp Genetics (formerly Invitae), Labcorp
Classification: Uncertain significance for Familial adenomatous polyposis 1. Last evaluated: 2025-07-24. Review status: criteria provided, single submitter. Criteria: Invitae Variant Classification Sherloc (09022015). Collection method: clinical testing. Allele origin: germline.
Comment: This sequence change replaces glutamine, which is neutral and polar, with arginine, which is basic and polar, at codon 2600 of the APC protein (p.Gln2600Arg). This variant is not present in population databases (gnomAD no frequency). This variant has not been reported in the literature in individuals affected with APC-related conditions. ClinVar contains an entry for this variant (Variation ID: 3069385). Invitae Evidence Modeling of protein sequence and biophysical properties (such as structural, functional, and spatial information, amino acid conservation, physicochemical variation, residue mobility, and thermodynamic stability) indicates that this missense variant is not expected to disrupt APC protein function with a negative predictive value of 95%. In summary, the available evidence is currently insufficient to determine the role of this variant in disease. Therefore, it has been classified as a Variant of Uncertain Significance.

All of Us Research Program, National Institutes of Health
Classification: Uncertain significance for Classic or attenuated familial adenomatous polyposis. Last evaluated: 2023-02-15. Review status: criteria provided, single submitter. Criteria: ACMG Guidelines, 2015. Collection method: clinical testing. Allele origin: germline. Inheritance: Autosomal dominant inheritance. Observed: 1 variant allele, 1 heterozygote.
Comment: This missense variant replaces glutamine with arginine at codon 2600 of the APC protein. Computational prediction suggests that this variant may not impact protein structure and function (internally defined REVEL score threshold <= 0.5, PMID: 27666373). To our knowledge, functional studies have not been reported for this variant. This variant has not been reported in individuals affected with hereditary cancer in the literature. This variant has not been identified in the general population by the Genome Aggregation Database (gnomAD). The available evidence is insufficient to determine the role of this variant in disease conclusively. Therefore, this variant is classified as a Variant of Uncertain Significance.

This study involves interpretation of variants in research participants for the purpose of population health screening. Participant phenotype was not available at the time of variant classification. Additional details can be found in publication PMID: 35346344, PMCID: PMC8962531

NM_000038.6(APC):c.7799A>G (p.Gln2600Arg)

Gene: APC (APC regulator of Wnt signaling pathway; plus strand). Cytogenetic location: 5q22.2.
Variant type: single nucleotide variant.
Coding change: c.7799A>G on transcript NM_000038.6 (MANE Select); coding-DNA position 7799, A replaced by G.
Protein change: p.Gln2600Arg; replaces glutamine 2600 with arginine.
Molecular consequence: missense variant. On other transcripts: non-coding transcript variant (2).
Genome position (GRCh38, 1-based): chr5:112,843,393, A>G. VCF-style: chr5-112843393-A-G. GRCh37 (hg19) VCF-style: chr5-112179090-A-G.
Other names: c.7799A>G, p.Gln2600Arg (NM_001127510.3, NM_001354895.2, NM_001407450.1); c.7745A>G, p.Gln2582Arg (NM_001127511.3); c.7853A>G, p.Gln2618Arg (NM_001354896.2, NM_001407447.1, NM_001407448.1 and 1 more transcripts); c.7829A>G, p.Gln2610Arg (NM_001354897.2); c.7724A>G, p.Gln2575Arg (NM_001354898.2); c.7715A>G, p.Gln2572Arg (NM_001354899.2); c.7676A>G, p.Gln2559Arg (NM_001354900.2); c.7622A>G, p.Gln2541Arg (NM_001354901.2, NM_001407453.1); and 11 more; short protein forms Q2216R, Q2317R, Q2440R, Q2471R, Q2474R, Q2499R, Q2509R, Q2517R.
Identifiers: ClinVar variation 3069385 (VCV003069385.2), dbSNP rs2149994056, ClinGen allele CA16038270.
Genomic context (GRCh38, chr5:112,843,393, plus strand): 5'-CCAGTGAAAAAGCAAAAAGTGAGGATGAAAAACATGTGAACTCTATTTCAGGAACCAAAC[A>G]AAGTAAAGAAAACCAAGTATCCGCAAAAGGAACATGGAGAAAAATAAAAGAAAATGAATT-3'
Protein context (NP_000029.2, residues 2590-2610): KHVNSISGTK[Gln2600Arg]SKENQVSAKG